The following is an entry in ClinVar:

NM_020533.3(MCOLN1):c.937_938insA (p.Phe313fs)

Gene: MCOLN1 (mucolipin TRP cation channel 1; plus strand). Cytogenetic location: 19p13.2.
Variant type: Insertion.
Coding change: c.937_938insA on transcript NM_020533.3 (MANE Select); coding-DNA positions 937 to 938, A inserted.
Protein change: p.Phe313fs; shifts the reading frame from phenylalanine 313.
Molecular consequence: frameshift variant.
Genome position: GRCh38 VCF-style: chr19-7528656-T-TA. GRCh37 (hg19) VCF-style: chr19-7593542-T-TA.
Other names: short protein forms F313fs.
Identifiers: ClinVar variation 5011715 (VCV005011715.1).

ClinVar aggregate classification (germline): Pathogenic (1 of 4 stars; one submission).

Conditions:
Mucolipidosis type IV (ML4). Also called: ML IV. Identifiers: Orphanet 578, MedGen C0238286, MONDO:0009653, OMIM 252650.

Submission:

Myriad Genetics, Inc.
Classification: Pathogenic for Mucolipidosis type IV. Last evaluated: 2023-09-21. Review status: criteria provided, single submitter. Criteria: Myriad Autosomal Dominant, Autosomal Recessive and X-Linked Classification Criteria (2023). Collection method: clinical testing. Allele origin: unknown.
Comment: NM_020533.2(MCOLN1):c.937_938insA(F313Yfs*150) is expected to be pathogenic in the context of mucolipidosis IV. This variant is predicted to lead to an abnormal or absent protein product due to the creation of a premature termination codon in MCOLN1, a gene where loss-of-function variants are known to be pathogenic. Please note: this variant was assessed in the context of healthy population screening.